The following is an entry in ClinVar:

NM_004999.4(MYO6):c.3497G>A (p.Arg1166Gln)

Gene: MYO6 (myosin VI; plus strand). Cytogenetic location: 6q14.1.
Variant type: single nucleotide variant.
Coding change: c.3497G>A on transcript NM_004999.4 (MANE Select); coding-DNA position 3497, G replaced by A.
Protein change: p.Arg1166Gln; replaces arginine 1166 with glutamine.
Molecular consequence: missense variant. On other transcripts: non-coding transcript variant (1).
Genome position (GRCh38, 1-based): chr6:75,914,120, G>A. VCF-style: chr6-75914120-G-A. GRCh37 (hg19) VCF-style: chr6-76623837-G-A.
Other names: c.3428G>A, p.Arg1143Gln (NM_001300899.2); c.3401G>A, p.Arg1134Gln (NM_001368136.1); c.3458G>A, p.Arg1153Gln (NM_001368137.1); c.3413G>A, p.Arg1138Gln (NM_001368138.1); c.3524G>A, p.Arg1175Gln (NM_001368865.1); c.3497G>A, p.Arg1166Gln (NM_001368866.1); short protein forms R1134Q, R1138Q, R1143Q, R1153Q, R1166Q, R1175Q.
Identifiers: ClinVar variation 3767558 (VCV003767558.1).

ClinVar aggregate classification (germline): Uncertain significance (1 of 4 stars; one submission).

gnomAD v4.1: 4 of 1,614,098 alleles (0.00025%); highest among the groups gnomAD compares: South Asian, 0.0011%; no homozygotes.

Submission:

GeneDx
Classification: Uncertain significance. Last evaluated: 2024-09-05. Review status: criteria provided, single submitter. Criteria: GeneDx Variant Classification Process June 2021. Collection method: clinical testing. Allele origin: germline. Affected: yes.
Comment: In silico analysis indicates that this missense variant does not alter protein structure/function; Has not been previously published as pathogenic or benign to our knowledge